The following is an entry in ClinVar:

NM_000180.4(GUCY2D):c.652A>G (p.Met218Val)

Gene: GUCY2D (guanylate cyclase 2D, retinal; plus strand). Cytogenetic location: 17p13.1.
Variant type: single nucleotide variant.
Coding change: c.652A>G on transcript NM_000180.4 (MANE Select); coding-DNA position 652, A replaced by G.
Protein change: p.Met218Val; replaces methionine 218 with valine.
Molecular consequence: missense variant.
Genome position (GRCh38, 1-based): chr17:8,003,699, A>G. VCF-style: chr17-8003699-A-G. GRCh37 (hg19) VCF-style: chr17-7907017-A-G.
Other names: short protein forms M218V.
Identifiers: ClinVar variation 1062888 (VCV001062888.9), dbSNP rs780953815, ClinGen allele CA8365528.

ClinVar aggregate classification (germline): Uncertain significance (1 of 4 stars; one submission).

Conditions:
Leber congenital amaurosis 1 (LCA1). Also called: AMAUROSIS CONGENITA OF LEBER I; RETINAL BLINDNESS, CONGENITAL; Congenital absence of the rods and cones; Leber's congenital tapetoretinal degeneration; Leber's congenital tapetoretinal dysplasia. Identifiers: Orphanet 65, MedGen C2931258, MONDO:0008764, OMIM 204000.
Cone-rod dystrophy 6 (CORD6). Also called: RETINAL CONE DYSTROPHY 2; Cone dystrophy progressive. Identifiers: Orphanet 1872, MedGen C1866293, MONDO:0011143, OMIM 601777.

Allele frequency attached by ClinVar (database versions not stated): gnomAD exomes below 0.00001 and 0.00001; TOPMed below 0.00001; gnomAD 0.00001; ExAC 0.00002.
gnomAD v4.1: 3 of 1,597,982 alleles (0.00019%); highest among the groups gnomAD compares: Non-Finnish European, 0.00025%; no homozygotes.

Submission:

Labcorp Genetics (formerly Invitae), Labcorp
Classification: Uncertain significance for Leber congenital amaurosis 1; Cone-rod dystrophy 6. Last evaluated: 2020-09-16. Review status: criteria provided, single submitter. Criteria: Invitae Variant Classification Sherloc (09022015). Collection method: clinical testing. Allele origin: germline.
Comment: In summary, the available evidence is currently insufficient to determine the role of this variant in disease. Therefore, it has been classified as a Variant of Uncertain Significance. Algorithms developed to predict the effect of missense changes on protein structure and function are either unavailable or do not agree on the potential impact of this missense change (SIFT: "Deleterious"; PolyPhen-2: "Benign"; Align-GVGD: "Class C0"). This variant has not been reported in the literature in individuals with GUCY2D-related conditions. This variant is present in population databases (rs780953815, ExAC 0.004%). This sequence change replaces methionine with valine at codon 218 of the GUCY2D protein (p.Met218Val). The methionine residue is highly conserved and there is a small physicochemical difference between methionine and valine.